The following is an entry in ClinVar:

NM_198525.3(KIF7):c.472G>A (p.Glu158Lys)

Gene: KIF7 (kinesin family member 7; minus strand). Cytogenetic location: 15q26.1.
Variant type: single nucleotide variant.
Coding change: c.472G>A on transcript NM_198525.3 (MANE Select); coding-DNA position 472, G replaced by A.
Protein change: p.Glu158Lys; replaces glutamic acid 158 with lysine.
Molecular consequence: missense variant.
Genome position (GRCh38, 1-based): chr15:89,649,798, C>T on the plus strand (G>A on the coding strand, the complement: KIF7 is on the minus strand). VCF-style: chr15-89649798-C-T. GRCh37 (hg19) VCF-style: chr15-90193029-C-T.
Other names: short protein forms E158K.
Identifiers: ClinVar variation 1309421 (VCV001309421.3), dbSNP rs1322167851, ClinGen allele CA393776882.

ClinVar aggregate classification (germline): Uncertain significance. Review status: criteria provided, multiple submitters, no conflicts (2 of 4 stars). 2 submissions from 2 submitters: Uncertain significance (2). Last evaluated 2022-06-17.

Conditions:
Acrocallosal syndrome (ACLS). Also called: HALLUX DUPLICATION, POSTAXIAL POLYDACTYLY, AND ABSENCE OF CORPUS CALLOSUM; Schinzel syndrome 1; Absence of corpus callosum with unusual facial appearance, mental deficiency, duplication of the halluces and polydactyly. Identifiers: Orphanet 36, MedGen C0796147, MONDO:0008708, OMIM 200990.

Allele frequency attached by ClinVar (database versions not stated): TOPMed below 0.00001; gnomAD exomes 0.00001.
gnomAD v4.1: 9 of 1,551,816 alleles (0.00058%); highest among the groups gnomAD compares: East Asian, 0.0049%; no homozygotes.

Submissions (2):

Labcorp Genetics (formerly Invitae), Labcorp
Classification: Uncertain significance for Acrocallosal syndrome. Last evaluated: 2022-06-17. Review status: criteria provided, single submitter. Criteria: Invitae Variant Classification Sherloc (09022015). Collection method: clinical testing. Allele origin: germline.
Comment: This sequence change replaces glutamic acid, which is acidic and polar, with lysine, which is basic and polar, at codon 158 of the KIF7 protein (p.Glu158Lys). This variant is present in population databases (no rsID available, gnomAD 0.002%). This variant has not been reported in the literature in individuals affected with KIF7-related conditions. ClinVar contains an entry for this variant (Variation ID: 1309421). Algorithms developed to predict the effect of missense changes on protein structure and function are either unavailable or do not agree on the potential impact of this missense change (SIFT: "Tolerated"; PolyPhen-2: "Possibly Damaging"; Align-GVGD: "Class C0"). Algorithms developed to predict the effect of sequence changes on RNA splicing suggest that this variant may create or strengthen a splice site. In summary, the available evidence is currently insufficient to determine the role of this variant in disease. Therefore, it has been classified as a Variant of Uncertain Significance.

GeneDx
Classification: Uncertain significance. Last evaluated: 2019-09-05. Review status: criteria provided, single submitter. Criteria: GeneDx Variant Classification Process June 2021. Collection method: clinical testing. Allele origin: germline. Affected: yes.
Comment: Not observed at a significant frequency in large population cohorts (Lek et al., 2016); In silico analysis, which includes protein predictors and evolutionary conservation, supports a deleterious effect; In addition, in silico splice predictors suggest this variant may lead to abnormal gene splicing. In the absence of RNA/functional studies, the actual effect of this sequence change is unknown.; Has not been previously published as pathogenic or benign to our knowledge